The following is an entry in ClinVar:

ClinVar aggregate classification (germline): Likely pathogenic. Review status: criteria provided, multiple submitters, no conflicts (2 of 4 stars). 2 submissions from 2 submitters: Likely pathogenic (2). Last evaluated 2024-03-12.

Conditions:
Junctional epidermolysis bullosa gravis of Herlitz. Also called: JEB-HERLITZ TYPE; Epidermolysis Bullosa Letalis; EPIDERMOLYSIS BULLOSA, JUNCTIONAL 1B, SEVERE; EPIDERMOLYSIS BULLOSA JUNCTIONALIS, HERLITZ TYPE; EPIDERMOLYSIS BULLOSA, JUNCTIONAL, HERLITZ-PEARSON TYPE; Herlitz-type junctional epidermolysis bullosa. Identifiers: Orphanet 79404, MedGen C0079683, MONDO:0009182, OMIM 226700.

Allele frequency attached by ClinVar (database versions not stated): TOPMed below 0.00001; gnomAD exomes 0.00001.
gnomAD v4.1: 19 of 1,613,730 alleles (0.0012%); highest among the groups gnomAD compares: Non-Finnish European, 0.0016%; no homozygotes.

Submissions (2):

Labcorp Genetics (formerly Invitae), Labcorp
Classification: Likely pathogenic. Last evaluated: 2024-03-12. Review status: criteria provided, single submitter. Criteria: Invitae Variant Classification Sherloc (09022015). Collection method: clinical testing. Allele origin: germline.
Comment: This sequence change affects a donor splice site in intron 25 of the LAMA3 gene. It is expected to disrupt RNA splicing. Variants that disrupt the donor or acceptor splice site typically lead to a loss of protein function (PMID: 16199547), and loss-of-function variants in LAMA3 are known to be pathogenic (PMID: 10366601, 11810295, 12915477, 16473856, 17362460, 22434185, 23869449, 27827380, 28087116). This variant is not present in population databases (gnomAD no frequency). Disruption of this splice site has been observed in individual(s) with junctional epidermolysis bullosa (PMID: 11810295). This variant is also known as 3317+2T>G. ClinVar contains an entry for this variant (Variation ID: 189152). Algorithms developed to predict the effect of sequence changes on RNA splicing suggest that this variant may disrupt the consensus splice site. In summary, the currently available evidence indicates that the variant is pathogenic, but additional data are needed to prove that conclusively. Therefore, this variant has been classified as Likely Pathogenic.

Myriad Genetics, Inc.
Classification: Likely pathogenic for Junctional epidermolysis bullosa gravis of Herlitz. Last evaluated: 2021-11-18. Review status: criteria provided, single submitter. Criteria: Myriad Women's Health Autosomal Recessive and X-Linked Classification Criteria (2021). Collection method: clinical testing. Allele origin: unknown.
Comment: NM_000227.3(LAMA3):c.3350+2T>G is a canonical splice variant classified as likely pathogenic in the context of junctional epidermolysis bullosa, LAMA3-related. c.3350+2T>G has been observed in cases with relevant disease (PMID: 11810295). Functional assessments of this variant are not available in the literature. c.3350+2T>G has not been observed in population frequency databases. In summary, NM_000227.3(LAMA3):c.3350+2T>G is a canonical splice variant in a gene where loss of function is a known mechanism of disease, is predicted to disrupt protein function, and has been observed more frequently in cases with the relevant disease than in healthy populations. Please note: this variant was assessed in the context of healthy population screening.

Literature cited by the submitters: PubMed 16199547 (cited by Labcorp Genetics (formerly Invitae), Labcorp); PubMed 10366601 (cited by Labcorp Genetics (formerly Invitae), Labcorp); PubMed 11810295 (cited by Labcorp Genetics (formerly Invitae), Labcorp and Myriad Genetics, Inc.); PubMed 12915477 (cited by Labcorp Genetics (formerly Invitae), Labcorp); PubMed 16473856 (cited by Labcorp Genetics (formerly Invitae), Labcorp); PubMed 17362460 (cited by Labcorp Genetics (formerly Invitae), Labcorp); PubMed 22434185 (cited by Labcorp Genetics (formerly Invitae), Labcorp); PubMed 23869449 (cited by Labcorp Genetics (formerly Invitae), Labcorp); PubMed 27827380 (cited by Labcorp Genetics (formerly Invitae), Labcorp); PubMed 28087116 (cited by Labcorp Genetics (formerly Invitae), Labcorp).

NM_198129.4(LAMA3):c.8177+2T>G

Gene: LAMA3 (laminin subunit alpha 3; plus strand). Cytogenetic location: 18q11.2.
Variant type: single nucleotide variant.
Coding change: c.8177+2T>G on transcript NM_198129.4 (MANE Select); the canonical splice donor site of the intron after coding-DNA position 8177, T replaced by G.
Molecular consequence: splice donor variant.
Genome position (GRCh38, 1-based): chr18:23,921,587, T>G. VCF-style: chr18-23921587-T-G. GRCh37 (hg19) VCF-style: chr18-21501551-T-G.
Other names: c.8009+2T>G (NM_001127717.4); c.3350+2T>G (NM_000227.6); c.3182+2T>G (NM_001127718.4).
Identifiers: ClinVar variation 189152 (VCV000189152.13), dbSNP rs786204732, ClinGen allele CA274429.